The following is an entry in ClinVar:

ClinVar aggregate classification (germline): Uncertain significance (1 of 4 stars; one submission).

Submission:

Labcorp Genetics (formerly Invitae), Labcorp
Classification: Uncertain significance. Last evaluated: 2022-08-14. Review status: criteria provided, single submitter. Criteria: Invitae Variant Classification Sherloc (09022015). Collection method: clinical testing. Allele origin: germline.
Comment: In summary, the available evidence is currently insufficient to determine the role of this variant in disease. Therefore, it has been classified as a Variant of Uncertain Significance. Experimental studies and prediction algorithms are not available or were not evaluated, and the functional significance of this variant is currently unknown. This variant has not been reported in the literature in individuals affected with TAOK2-related conditions. This variant is not present in population databases (gnomAD no frequency). This variant, c.1175_1177del, results in the deletion of 1 amino acid(s) of the TAOK2 protein (p.Glu392del), but otherwise preserves the integrity of the reading frame.

NM_016151.4(TAOK2):c.1172AAG[1] (p.Glu392del)

Gene: TAOK2 (TAO kinase 2; plus strand). Cytogenetic location: 16p11.2.
Variant type: Microsatellite.
Coding change: c.1172AAG[1] on transcript NM_016151.4 (MANE Select); one copy of the 3-base unit AAG starting at c.1172; the reference has two copies in a row; one copy, 3 bases deleted.
Protein change: p.Glu392del; deletes glutamic acid 392.
Molecular consequence: inframe deletion.
Genome position (GRCh38, 1-based): chr16:29,983,247-29,983,249, AAG deleted; deleting any 3 consecutive bases within chr16:29,983,243-29,983,249 gives the same sequence; the position shown is the placement nearest the transcript's 3' end. VCF-style (leftmost placement, unchanged base first): chr16-29983242-GGAA-G. GRCh37 (hg19) VCF-style: chr16-29994563-GGAA-G.
Other names: c.1172AAG[1], p.Glu392del (NM_001252043.2, NM_004783.4); short protein forms E392del.
Identifiers: ClinVar variation 2024167 (VCV002024167.4), dbSNP rs2543636389, ClinGen allele CA2580613456.
Genomic context (GRCh38, chr16:29,983,242, plus strand): 5'-CCTAGCAGATGCCTCAGACAACGAGGAAGAGGAGGAGGAGGAGGAGGAAGAGGAGGAGGA[GGAA>G]GAAGGCCCTGAAGCCCGGGAGATGGCCATGATGCAGGAGGGGGAGCACACAGTCACCTCT-3'